The following is an entry in ClinVar:

ClinVar aggregate classification (germline): Uncertain significance (1 of 4 stars; one submission).

Conditions:
Inborn genetic diseases. Identifiers: MedGen C0950123, MeSH D030342.

Submission:

Ambry Genetics
Classification: Uncertain significance for Inborn genetic diseases. Last evaluated: 2024-09-08. Review status: criteria provided, single submitter. Criteria: Ambry Variant Classification Scheme 2023. Collection method: clinical testing. Allele origin: germline.
Comment: The p.L55V variant (also known as c.163C>G), located in coding exon 3 of the ERCC2 gene, results from a C to G substitution at nucleotide position 163. The leucine at codon 55 is replaced by valine, an amino acid with highly similar properties. This amino acid position is conserved. In addition, the in silico prediction for this alteration is inconclusive. Since supporting evidence is limited at this time, the clinical significance of this alteration remains unclear.

NM_000400.4(ERCC2):c.163C>G (p.Leu55Val)

Gene: ERCC2 (ERCC excision repair 2, TFIIH core complex helicase subunit; minus strand). Cytogenetic location: 19q13.32.
Variant type: single nucleotide variant.
Coding change: c.163C>G on transcript NM_000400.4 (MANE Select); coding-DNA position 163, C replaced by G.
Protein change: p.Leu55Val; replaces leucine 55 with valine.
Molecular consequence: missense variant.
Genome position (GRCh38, 1-based): chr19:45,369,090, G>C on the plus strand (C>G on the coding strand, the complement: ERCC2 is on the minus strand). VCF-style: chr19-45369090-G-C. GRCh37 (hg19) VCF-style: chr19-45872348-G-C.
Other names: c.91C>G, p.Leu31Val (NM_001130867.2); short protein forms L31V, L55V.
Identifiers: ClinVar variation 1777003 (VCV001777003.3), dbSNP rs2514045576, ClinGen allele CA406379471.